The following is an entry in ClinVar:

NM_004329.3(BMPR1A):c.160G>T (p.Asp54Tyr)

Gene: BMPR1A (bone morphogenetic protein receptor type 1A; plus strand). Cytogenetic location: 10q23.2.
Variant type: single nucleotide variant.
Coding change: c.160G>T on transcript NM_004329.3 (MANE Select); coding-DNA position 160, G replaced by T.
Protein change: p.Asp54Tyr; replaces aspartic acid 54 with tyrosine.
Molecular consequence: missense variant. On other transcripts: non-coding transcript variant (3).
Genome position (GRCh38, 1-based): chr10:86,890,154, G>T. VCF-style: chr10-86890154-G-T. GRCh37 (hg19) VCF-style: chr10-88649911-G-T.
Other names: c.160G>T, p.Asp54Tyr (NM_001406559.1, NM_001406560.1, NM_001406561.1 and 23 more transcripts); c.76G>T, p.Asp26Tyr (NM_001406584.1, NM_001406585.1, NM_001406586.1 and 2 more transcripts); short protein forms D54Y, D26Y.
Identifiers: ClinVar variation 2859988 (VCV002859988.3), dbSNP rs1843126765, ClinGen allele CA377446757.

ClinVar aggregate classification (germline): Uncertain significance (1 of 4 stars; one submission).

Conditions:
Juvenile polyposis syndrome (JPS). Identifiers: Orphanet 2929, MedGen C0345893, MONDO:0017380, OMIM 174900.

Submission:

Labcorp Genetics (formerly Invitae), Labcorp
Classification: Uncertain significance for Juvenile polyposis syndrome. Last evaluated: 2023-04-28. Review status: criteria provided, single submitter. Criteria: Invitae Variant Classification Sherloc (09022015). Collection method: clinical testing. Allele origin: germline.
Comment: In summary, the available evidence is currently insufficient to determine the role of this variant in disease. Therefore, it has been classified as a Variant of Uncertain Significance. Advanced modeling of protein sequence and biophysical properties (such as structural, functional, and spatial information, amino acid conservation, physicochemical variation, residue mobility, and thermodynamic stability) has been performed at Invitae for this missense variant, however the output from this modeling did not meet the statistical confidence thresholds required to predict the impact of this variant on BMPR1A protein function. This variant has not been reported in the literature in individuals affected with BMPR1A-related conditions. This variant is not present in population databases (gnomAD no frequency). This sequence change replaces aspartic acid, which is acidic and polar, with tyrosine, which is neutral and polar, at codon 54 of the BMPR1A protein (p.Asp54Tyr).